The following is an entry in ClinVar:

ClinVar aggregate classification (germline): Likely benign (1 of 4 stars; one submission).

gnomAD v4.1: 1 of 1,521,018 alleles (0.000066%); highest among the groups gnomAD compares: South Asian, 0.0013%; no homozygotes.

Submission:

CeGaT Center for Human Genetics Tuebingen
Classification: Likely benign. Last evaluated: 2022-08-01. Review status: criteria provided, single submitter. Criteria: CeGaT Center For Human Genetics Tuebingen Variant Classification Criteria Version 2. Collection method: clinical testing. Allele origin: germline. Affected: yes. Observed: 1 variant allele.
Comment: RERE: PM2:Supporting, BP4, BP7

NM_001042681.2(RERE):c.4428C>T (p.Pro1476=)

Gene: RERE (arginine-glutamic acid dipeptide repeats; minus strand). Cytogenetic location: 1p36.23.
Variant type: single nucleotide variant.
Coding change: c.4428C>T on transcript NM_001042681.2 (MANE Select); coding-DNA position 4428, C replaced by T.
Protein change: p.Pro1476=; no amino-acid change (proline 1476 retained).
Molecular consequence: synonymous variant.
Genome position (GRCh38, 1-based): chr1:8,356,158, G>A on the plus strand (C>T on the coding strand, the complement: RERE is on the minus strand). VCF-style: chr1-8356158-G-A. GRCh37 (hg19) VCF-style: chr1-8416218-G-A.
Other names: c.2766C>T, p.Pro922= (NM_001042682.2); c.4428C>T, p.Pro1476= (NM_012102.4).
Identifiers: ClinVar variation 2638160 (VCV002638160.24), dbSNP rs2522680444, ClinGen allele CA415842237.